The following is an entry in ClinVar:

NM_020655.4(JPH3):c.311G>A (p.Gly104Glu)

Gene: JPH3 (junctophilin 3; plus strand). Cytogenetic location: 16q24.2.
Variant type: single nucleotide variant.
Coding change: c.311G>A on transcript NM_020655.4 (MANE Select); coding-DNA position 311, G replaced by A.
Protein change: p.Gly104Glu; replaces glycine 104 with glutamic acid.
Molecular consequence: missense variant.
Genome position (GRCh38, 1-based): chr16:87,603,457, G>A. VCF-style: chr16-87603457-G-A. GRCh37 (hg19) VCF-style: chr16-87637063-G-A.
Other names: c.311G>A, p.Gly104Glu (NM_001271604.4, NM_001271605.3); short protein forms G104E.
Identifiers: ClinVar variation 2429071 (VCV002429071.3), dbSNP rs2507481318, ClinGen allele CA397021054.

ClinVar aggregate classification (germline): Uncertain significance (1 of 4 stars; one submission).

Submission:

Greenwood Genetic Center Diagnostic Laboratories, Greenwood Genetic Center
Classification: Uncertain significance. Last evaluated: 2022-10-12. Review status: criteria provided, single submitter. Criteria: ACMG Guidelines, 2015. Collection method: clinical testing. Allele origin: germline. Affected: yes.
Comment: Gene of Uncertain Significance